The following is an entry in ClinVar:

Single allele

Gene: SCN9A (sodium voltage-gated channel alpha subunit 9; minus strand). Cytogenetic location: 2q24.3.
Variant type: Deletion.
Identifiers: ClinVar variation 3571498 (VCV003571498.1).

ClinVar aggregate classification (germline): Likely pathogenic (1 of 4 stars; one submission).

Submission:

Athena Diagnostics
Classification: Likely pathogenic. Last evaluated: 2024-11-07. Review status: criteria provided, single submitter. Criteria: Athena Diagnostics Criteria. Collection method: clinical testing. Allele origin: unknown.
Comment: This deletion includes all protein-coding segments of the SCN9A gene and is expected to result in the loss of a functional protein. Similar deletions of the SCN9A gene have not been reported in large, multi-ethnic general populations.

Literature cited by the submitters: PubMed 31440721.